The following is an entry in ClinVar:

NM_032242.4(PLXNA1):c.2909G>A (p.Arg970His)

Genes: PLXNA1 (plexin A1; plus strand), LOC129937476 (ATAC-STARR-seq lymphoblastoid active region 20450; plus strand). Cytogenetic location: 3q21.3.
Variant type: single nucleotide variant.
Coding change: c.2909G>A on transcript NM_032242.4 (MANE Select); coding-DNA position 2909, G replaced by A.
Protein change: p.Arg970His; replaces arginine 970 with histidine.
Molecular consequence: missense variant.
Genome position (GRCh38, 1-based): chr3:127,015,215, G>A. VCF-style: chr3-127015215-G-A. GRCh37 (hg19) VCF-style: chr3-126734058-G-A.
Other names: short protein forms R970H.
Identifiers: ClinVar variation 3350600 (VCV003350600.1).

ClinVar aggregate classification (germline): Uncertain significance (0 of 4 stars; one submission).

Conditions:
PLXNA1-related disorder. Also called: PLXNA1-related condition.

gnomAD v4.1: 16 of 1,613,388 alleles (0.00099%); highest among the groups gnomAD compares: East Asian, 0.0067%; no homozygotes.

Submission:

PreventionGenetics, part of Exact Sciences
Classification: Uncertain significance for PLXNA1-related condition. Last evaluated: 2024-06-14. Review status: no assertion criteria provided. Collection method: clinical testing. Allele origin: germline.
Comment: The PLXNA1 c.2909G>A variant is predicted to result in the amino acid substitution p.Arg970His. To our knowledge, this variant has not been reported in the literature. This variant is reported in 0.0054% of alleles in individuals of East Asian descent in gnomAD. At this time, the clinical significance of this variant is uncertain due to the absence of conclusive functional and genetic evidence.